The following is an entry in ClinVar:

NM_000051.4(ATM):c.5901G>C (p.Met1967Ile)

Genes: ATM (ATM serine/threonine kinase; plus strand), C11orf65 (chromosome 11 open reading frame 65; minus strand). Cytogenetic location: 11q22.3.
Variant type: single nucleotide variant.
Coding change: c.5901G>C on transcript NM_000051.4 (MANE Select); coding-DNA position 5901, G replaced by C.
Protein change: p.Met1967Ile; replaces methionine 1967 with isoleucine.
Molecular consequence: missense variant. On other transcripts: intron variant (2).
Genome position (GRCh38, 1-based): chr11:108,310,298, G>C. VCF-style: chr11-108310298-G-C. GRCh37 (hg19) VCF-style: chr11-108181025-G-C.
Other names: c.5901G>C, p.Met1967Ile (NM_001351834.2); c.641-1227C>G (NM_001330368.2); c.*39-1227C>G (NM_001351110.2); short protein forms M1967I.
Identifiers: ClinVar variation 4747237 (VCV004747237.1).

ClinVar aggregate classification (germline): Uncertain significance (1 of 4 stars; one submission).

Conditions:
Ataxia-telangiectasia syndrome (AT). Also called: Ataxia-telangiectasia, complementation group D; AT, COMPLEMENTATION GROUP C; ATAXIA-TELANGIECTASIA, COMPLEMENTATION GROUP A; ATAXIA-TELANGIECTASIA, FRESNO VARIANT; Ataxia-telangiectasia; Ataxia-telangiectasia, complementation group E. Identifiers: Orphanet 100, MedGen C0004135, MONDO:0008840, OMIM 208900.

Submission:

Labcorp Genetics (formerly Invitae), Labcorp
Classification: Uncertain significance for Ataxia-telangiectasia syndrome. Last evaluated: 2025-11-13. Review status: criteria provided, single submitter. Criteria: Invitae Variant Classification Sherloc (09022015). Collection method: clinical testing. Allele origin: germline.
Comment: This sequence change replaces methionine, which is neutral and non-polar, with isoleucine, which is neutral and non-polar, at codon 1967 of the ATM protein (p.Met1967Ile). This variant is not present in population databases (gnomAD no frequency). This variant has not been reported in the literature in individuals affected with ATM-related conditions. Invitae Evidence Modeling of protein sequence and biophysical properties (such as structural, functional, and spatial information, amino acid conservation, physicochemical variation, residue mobility, and thermodynamic stability) indicates that this missense variant is not expected to disrupt ATM protein function with a negative predictive value of 95%. In summary, the available evidence is currently insufficient to determine the role of this variant in disease. Therefore, it has been classified as a Variant of Uncertain Significance.